The following is an entry in ClinVar:

NM_001018005.2(TPM1):c.114+3C>T

Gene: TPM1 (tropomyosin 1; plus strand). Cytogenetic location: 15q22.2.
Variant type: single nucleotide variant.
Coding change: c.114+3C>T on transcript NM_001018005.2 (MANE Select); 3 bases into the intron after coding-DNA position 114, C replaced by T.
Molecular consequence: intron variant.
Genome position (GRCh38, 1-based): chr15:63,042,946, C>T. VCF-style: chr15-63042946-C-T. GRCh37 (hg19) VCF-style: chr15-63335145-C-T.
Other names: c.114+3C>T (NM_001365778.1, NM_001018020.2, NM_001018007.2 and 7 more transcripts).
Identifiers: ClinVar variation 646576 (VCV000646576.17), dbSNP rs112677344, ClinGen allele CA618528422.

ClinVar aggregate classification (germline): Uncertain significance. Review status: criteria provided, multiple submitters, no conflicts (2 of 4 stars). 4 submissions from 4 submitters: Uncertain significance (4). Last evaluated 2025-01-23.

Conditions:
Cardiovascular phenotype. Identifiers: MedGen CN230736.
Hypertrophic cardiomyopathy 3. Also called: TPM1-Related Familial Hypertrophic Cardiomyopathy. Identifiers: MedGen C1861863, MONDO:0007267, OMIM 115196.
Dilated cardiomyopathy 1Y (CMD1Y). Identifiers: Orphanet 154, Orphanet 54260, MedGen C2678476, MONDO:0012744, OMIM 611878.
Cardiomyopathy (CMYO). Also called: Cardiomyopathies. Identifiers: Orphanet 167848, MedGen C0878544, MONDO:0004994, HP:0001638. Inheritance: Various modes of inheritance.
Hypertrophic cardiomyopathy. Also called: HYPERTROPHIC MYOCARDIOPATHY. Identifiers: Orphanet 217569, MedGen C0007194, MeSH D002312, MONDO:0005045, HP:0001639.

Allele frequency attached by ClinVar (database versions not stated): gnomAD exomes below 0.00001 and 0.00001; gnomAD 0.00001.
gnomAD v4.1: 19 of 1,590,928 alleles (0.0012%); highest among the groups gnomAD compares: Non-Finnish European, 0.0015%; no homozygotes.

Submissions (4):

Labcorp Genetics (formerly Invitae), Labcorp
Classification: Uncertain significance for Hypertrophic cardiomyopathy. Last evaluated: 2025-01-23. Review status: criteria provided, single submitter. Criteria: Invitae Variant Classification Sherloc (09022015). Collection method: clinical testing. Allele origin: germline.
Comment: This sequence change falls in intron 1 of the TPM1 gene. It does not directly change the encoded amino acid sequence of the TPM1 protein. It affects a nucleotide within the consensus splice site. This variant is present in population databases (no rsID available, gnomAD 0.005%). This variant has not been reported in the literature in individuals affected with TPM1-related conditions. ClinVar contains an entry for this variant (Variation ID: 646576). Variants that disrupt the consensus splice site are a relatively common cause of aberrant splicing (PMID: 17576681, 9536098). Algorithms developed to predict the effect of sequence changes on RNA splicing suggest that this variant is not likely to affect RNA splicing. In summary, the available evidence is currently insufficient to determine the role of this variant in disease. Therefore, it has been classified as a Variant of Uncertain Significance.

Ambry Genetics
Classification: Uncertain significance for Cardiovascular phenotype. Last evaluated: 2024-02-20. Review status: criteria provided, single submitter. Criteria: Ambry Variant Classification Scheme 2023. Collection method: clinical testing. Allele origin: germline.
Comment: The c.114+3C>T intronic variant results from a C to T substitution 3 nucleotides after coding exon 1 in the TPM1 gene. This nucleotide position is well conserved in available vertebrate species. In silico splice site analysis predicts that this alteration will not have any significant effect on splicing. Based on the available evidence, the clinical significance of this alteration remains unclear.

Color Diagnostics, LLC DBA Color Health
Classification: Uncertain significance for Cardiomyopathy. Last evaluated: 2023-10-16. Review status: criteria provided, single submitter. Criteria: ACMG Guidelines, 2015. Collection method: clinical testing. Allele origin: germline.
Comment: This variant causes a C to T nucleotide substitution at the +3 position of intron 1 of the TPM1 gene. To our knowledge, functional studies have not been reported for this variant. This variant has not been reported in individuals affected with TPM1-related disorders in the literature. This variant has been identified in 2/234676 chromosomes in the general population by the Genome Aggregation Database (gnomAD). The available evidence is insufficient to determine the role of this variant in disease conclusively. Therefore, this variant is classified as a Variant of Uncertain Significance.

Fulgent Genetics
Classification: Uncertain significance for Hypertrophic cardiomyopathy 3; Dilated cardiomyopathy 1Y. Last evaluated: 2021-11-11. Review status: criteria provided, single submitter. Criteria: ACMG Guidelines, 2015. Collection method: clinical testing. Allele origin: unknown.

Literature cited by the submitters: PubMed 17576681 (cited by Labcorp Genetics (formerly Invitae), Labcorp); PubMed 9536098 (cited by Labcorp Genetics (formerly Invitae), Labcorp).